The following is an entry in ClinVar:

NM_020458.4(TTC7A):c.1676T>C (p.Leu559Pro)

Gene: TTC7A (tetratricopeptide repeat domain 7A; plus strand). Cytogenetic location: 2p21.
Variant type: single nucleotide variant.
Coding change: c.1676T>C on transcript NM_020458.4 (MANE Select); coding-DNA position 1676, T replaced by C.
Protein change: p.Leu559Pro; replaces leucine 559 with proline.
Molecular consequence: missense variant.
Genome position (GRCh38, 1-based): chr2:47,029,258, T>C. VCF-style: chr2-47029258-T-C. GRCh37 (hg19) VCF-style: chr2-47256397-T-C.
Other names: c.1676T>C, p.Leu559Pro (NM_001288951.2); c.1574T>C, p.Leu525Pro (NM_001288953.2); c.614T>C, p.Leu205Pro (NM_001288955.2); short protein forms L205P, L525P, L559P.
Identifiers: ClinVar variation 2088294 (VCV002088294.1), dbSNP rs2466906372, ClinGen allele CA346717141.
Genomic context (GRCh38, chr2:47,029,258, plus strand): 5'-GCTAACCTGGCGGGTTCCTTCAACAGATCTCCAGTGCCATGGAGCAGCTGCAGGAGGCCC[T>C]GAAGGTACGCAAGGATGATGCCCACGCCCTCCACCTGCTGGCACTGCTCTTCTCTGCCCA-3'
Protein context (NP_065191.2, residues 549-569): SSAMEQLQEA[Leu559Pro]KVRKDDAHAL

ClinVar aggregate classification (germline): Uncertain significance (1 of 4 stars; one submission).

Conditions:
Multiple gastrointestinal atresias. Also called: FAMILIAL INTESTINAL POLYATRESIA SYNDROME; Multiple intestinal atresia. Identifiers: Orphanet 2300, MedGen C0220744, MONDO:0009465.

Submission:

Labcorp Genetics (formerly Invitae), Labcorp
Classification: Uncertain significance for Multiple gastrointestinal atresias. Last evaluated: 2022-01-20. Review status: criteria provided, single submitter. Criteria: Invitae Variant Classification Sherloc (09022015). Collection method: clinical testing. Allele origin: germline.
Comment: This sequence change replaces leucine, which is neutral and non-polar, with proline, which is neutral and non-polar, at codon 559 of the TTC7A protein (p.Leu559Pro). This variant is not present in population databases (gnomAD no frequency). This variant has not been reported in the literature in individuals affected with TTC7A-related conditions. Algorithms developed to predict the effect of missense changes on protein structure and function are either unavailable or do not agree on the potential impact of this missense change (SIFT: "Deleterious"; PolyPhen-2: "Probably Damaging"; Align-GVGD: "Class C0"). In summary, the available evidence is currently insufficient to determine the role of this variant in disease. Therefore, it has been classified as a Variant of Uncertain Significance.